The following is an entry in ClinVar:

NM_058216.3(RAD51C):c.697C>T (p.His233Tyr)

Genes: RAD51C (RAD51 paralog C; plus strand), LOC129390903 (MPRA-validated peak2919 silencer; plus strand). Cytogenetic location: 17q22.
Variant type: single nucleotide variant.
Coding change: c.697C>T on transcript NM_058216.3 (MANE Select); coding-DNA position 697, C replaced by T.
Protein change: p.His233Tyr; replaces histidine 233 with tyrosine.
Molecular consequence: missense variant. On other transcripts: non-coding transcript variant (1).
Genome position (GRCh38, 1-based): chr17:58,703,321, C>T. VCF-style: chr17-58703321-C-T. GRCh37 (hg19) VCF-style: chr17-56780682-C-T.
Other names: short protein forms H233Y.
Identifiers: ClinVar variation 1058320 (VCV001058320.9), dbSNP rs2143802148, ClinGen allele CA400350122.

ClinVar aggregate classification (germline): Uncertain significance (1 of 4 stars; one submission).

Conditions:
Fanconi anemia complementation group O. Also called: RAD51C-Related Fanconi Anemia. Identifiers: Orphanet 84, MedGen C3150653, MONDO:0013248, OMIM 613390.

Submission:

Labcorp Genetics (formerly Invitae), Labcorp
Classification: Uncertain significance for Fanconi anemia complementation group O. Last evaluated: 2024-10-30. Review status: criteria provided, single submitter. Criteria: Invitae Variant Classification Sherloc (09022015). Collection method: clinical testing. Allele origin: germline.
Comment: This sequence change replaces histidine, which is basic and polar, with tyrosine, which is neutral and polar, at codon 233 of the RAD51C protein (p.His233Tyr). This variant is not present in population databases (gnomAD no frequency). This variant has not been reported in the literature in individuals affected with RAD51C-related conditions. ClinVar contains an entry for this variant (Variation ID: 1058320). Invitae Evidence Modeling of protein sequence and biophysical properties (such as structural, functional, and spatial information, amino acid conservation, physicochemical variation, residue mobility, and thermodynamic stability) indicates that this missense variant is expected to disrupt RAD51C protein function with a positive predictive value of 80%. In summary, the available evidence is currently insufficient to determine the role of this variant in disease. Therefore, it has been classified as a Variant of Uncertain Significance.